The following is an entry in ClinVar:

NM_153240.5(NPHP3):c.2470C>G (p.Leu824Val)

Genes: NPHP3 (nephrocystin 3; minus strand), NPHP3-ACAD11 (NPHP3-ACAD11 readthrough (NMD candidate); minus strand). Cytogenetic location: 3q22.1.
Variant type: single nucleotide variant.
Coding change: c.2470C>G on transcript NM_153240.5 (MANE Select); coding-DNA position 2470, C replaced by G.
Protein change: p.Leu824Val; replaces leucine 824 with valine.
Molecular consequence: missense variant. On other transcripts: non-coding transcript variant (1).
Genome position (GRCh38, 1-based): chr3:132,692,659, G>C on the plus strand (C>G on the coding strand, the complement: NPHP3 is on the minus strand). VCF-style: chr3-132692659-G-C. GRCh37 (hg19) VCF-style: chr3-132411503-G-C.
Other names: short protein forms L824V.
Identifiers: ClinVar variation 2000302 (VCV002000302.4), dbSNP rs2530407457, ClinGen allele CA354581239.

ClinVar aggregate classification (germline): Uncertain significance (1 of 4 stars; one submission).

Conditions:
Nephronophthisis. Also called: Juvenile Nephronophthisis. Identifiers: Orphanet 655, MedGen C0687120, MONDO:0019005, HP:0000090.

Submission:

Labcorp Genetics (formerly Invitae), Labcorp
Classification: Uncertain significance for Nephronophthisis. Last evaluated: 2022-05-29. Review status: criteria provided, single submitter. Criteria: Invitae Variant Classification Sherloc (09022015). Collection method: clinical testing. Allele origin: germline.
Comment: In summary, the available evidence is currently insufficient to determine the role of this variant in disease. Therefore, it has been classified as a Variant of Uncertain Significance. This sequence change replaces leucine, which is neutral and non-polar, with valine, which is neutral and non-polar, at codon 824 of the NPHP3 protein (p.Leu824Val). This variant is not present in population databases (gnomAD no frequency). This variant has not been reported in the literature in individuals affected with NPHP3-related conditions. Algorithms developed to predict the effect of missense changes on protein structure and function are either unavailable or do not agree on the potential impact of this missense change (SIFT: "Deleterious"; PolyPhen-2: "Benign"; Align-GVGD: "Class C0").